The following is an entry in ClinVar:

ClinVar aggregate classification (germline): Uncertain significance (1 of 4 stars; one submission).

Submission:

Labcorp Genetics (formerly Invitae), Labcorp
Classification: Uncertain significance. Last evaluated: 2022-07-06. Review status: criteria provided, single submitter. Criteria: Invitae Variant Classification Sherloc (09022015). Collection method: clinical testing. Allele origin: germline.
Comment: This variant is not present in population databases (gnomAD no frequency). This variant has not been reported in the literature in individuals affected with POLR3B-related conditions. Algorithms developed to predict the effect of missense changes on protein structure and function (SIFT, PolyPhen-2, Align-GVGD) all suggest that this variant is likely to be disruptive. In summary, the available evidence is currently insufficient to determine the role of this variant in disease. Therefore, it has been classified as a Variant of Uncertain Significance. This sequence change replaces glycine, which is neutral and non-polar, with arginine, which is basic and polar, at codon 366 of the POLR3B protein (p.Gly366Arg).

NM_018082.6(POLR3B):c.1096G>C (p.Gly366Arg)

Gene: POLR3B (RNA polymerase III subunit B; plus strand). Cytogenetic location: 12q23.3.
Variant type: single nucleotide variant.
Coding change: c.1096G>C on transcript NM_018082.6 (MANE Select); coding-DNA position 1096, G replaced by C.
Protein change: p.Gly366Arg; replaces glycine 366 with arginine.
Molecular consequence: missense variant.
Genome position (GRCh38, 1-based): chr12:106,410,955, G>C. VCF-style: chr12-106410955-G-C. GRCh37 (hg19) VCF-style: chr12-106804733-G-C.
Other names: c.922G>C, p.Gly308Arg (NM_001160708.2); short protein forms G308R, G366R.
Identifiers: ClinVar variation 2073789 (VCV002073789.4), dbSNP rs2542073821, ClinGen allele CA386387601.
Genomic context (GRCh38, chr12:106,410,955, plus strand): 5'-CAAGGAGATAATAAAGTTGACGACAGAGATTATTATGGTAACAAGCGACTGGAATTGGCA[G>C]GACAGGTGATTTAATATTTTATGTCAGAAATCTTGTTTTCCTTAATGAAAATTAATTTGG-3'
Protein context (NP_060552.4, residues 356-376): YYGNKRLELA[Gly366Arg]QLLSLLFEDL